The following is an entry in ClinVar:

NM_001204.7(BMPR2):c.1282T>C (p.Ser428Pro)

Gene: BMPR2 (bone morphogenetic protein receptor type 2; plus strand). Cytogenetic location: 2q33.2.
Variant type: single nucleotide variant.
Coding change: c.1282T>C on transcript NM_001204.7 (MANE Select); coding-DNA position 1282, T replaced by C.
Protein change: p.Ser428Pro; replaces serine 428 with proline.
Molecular consequence: missense variant.
Genome position (GRCh38, 1-based): chr2:202,542,316, T>C. VCF-style: chr2-202542316-T-C. GRCh37 (hg19) VCF-style: chr2-203407039-T-C.
Other names: short protein forms S428P.
Identifiers: ClinVar variation 3481305 (VCV003481305.1).

ClinVar aggregate classification (germline): Uncertain significance (1 of 4 stars; one submission).

Conditions:
Inborn genetic diseases. Identifiers: MedGen C0950123, MeSH D030342.

Submission:

Ambry Genetics
Classification: Uncertain significance for Inborn genetic diseases. Last evaluated: 2024-11-26. Review status: criteria provided, single submitter. Criteria: Ambry Variant Classification Scheme 2023. Collection method: clinical testing. Allele origin: germline.
Comment: The p.S428P variant (also known as c.1282T>C), located in coding exon 10 of the BMPR2 gene, results from a T to C substitution at nucleotide position 1282. The serine at codon 428 is replaced by proline, an amino acid with similar properties. This amino acid position is conserved. In addition, the in silico prediction for this alteration is inconclusive. Based on the available evidence, the clinical significance of this variant remains unclear.